The following is an entry in ClinVar:

ClinVar aggregate classification (germline): Uncertain significance. Review status: criteria provided, multiple submitters, no conflicts (2 of 4 stars). 2 submissions from 2 submitters: Uncertain significance (2). Last evaluated 2025-08-07.

Conditions:
Dyskeratosis congenita, autosomal recessive 5 (DKCB5). Identifiers: MedGen C3554656, MONDO:0014076, OMIM 615190.
Pulmonary fibrosis and/or bone marrow failure, Telomere-related, 3. Also called: PULMONARY FIBROSIS AND/OR BONE MARROW FAILURE SYNDROME, TELOMERE-RELATED, 3. Identifiers: Orphanet 2032, MedGen C4225346, MONDO:0014613, OMIM 616373.
Inborn genetic diseases. Identifiers: MedGen C0950123, MeSH D030342.

Submissions (2):

Ambry Genetics
Classification: Uncertain significance for Inborn genetic diseases. Last evaluated: 2025-08-07. Review status: criteria provided, single submitter. Criteria: Ambry Variant Classification Scheme 2023. Collection method: clinical testing. Allele origin: germline.
Comment: The p.R141L variant (also known as c.422G>T), located in coding exon 4 of the RTEL1 gene, results from a G to T substitution at nucleotide position 422. The arginine at codon 141 is replaced by leucine, an amino acid with dissimilar properties. This amino acid position is conserved. In addition, this alteration is predicted to be deleterious by in silico analysis. Based on the available evidence, the clinical significance of this variant remains unclear.

Labcorp Genetics (formerly Invitae), Labcorp
Classification: Uncertain significance for Dyskeratosis congenita, autosomal recessive 5; Pulmonary fibrosis and/or bone marrow failure, Telomere-related, 3. Last evaluated: 2024-03-16. Review status: criteria provided, single submitter. Criteria: Invitae Variant Classification Sherloc (09022015). Collection method: clinical testing. Allele origin: germline.
Comment: This sequence change replaces arginine, which is basic and polar, with leucine, which is neutral and non-polar, at codon 141 of the RTEL1 protein (p.Arg141Leu). This variant is present in population databases (no rsID available, gnomAD 0.02%). This variant has not been reported in the literature in individuals affected with RTEL1-related conditions. An algorithm developed to predict the effect of missense changes on protein structure and function (PolyPhen-2) suggests that this variant is likely to be disruptive. In summary, the available evidence is currently insufficient to determine the role of this variant in disease. Therefore, it has been classified as a Variant of Uncertain Significance.

NM_001283009.2(RTEL1):c.422G>T (p.Arg141Leu)

Genes: RTEL1 (regulator of telomere elongation helicase 1; plus strand), RTEL1-TNFRSF6B (RTEL1-TNFRSF6B readthrough (NMD candidate); plus strand). Cytogenetic location: 20q13.33.
Variant type: single nucleotide variant.
Coding change: c.422G>T on transcript NM_001283009.2 (MANE Select); coding-DNA position 422, G replaced by T.
Protein change: p.Arg141Leu; replaces arginine 141 with leucine.
Molecular consequence: missense variant. On other transcripts: non-coding transcript variant (1), 5 prime UTR variant (1).
Genome position (GRCh38, 1-based): chr20:63,662,572, G>T. VCF-style: chr20-63662572-G-T. GRCh37 (hg19) VCF-style: chr20-62293925-G-T.
Other names: c.-248G>T (NM_001283010.1); c.422G>T, p.Arg141Leu (NM_016434.4); c.494G>T, p.Arg165Leu (NM_032957.5); short protein forms R141L, R165L.
Identifiers: ClinVar variation 3758736 (VCV003758736.3).